The following is an entry in ClinVar:

ClinVar aggregate classification (germline): Uncertain significance (1 of 4 stars; one submission).

Submission:

Labcorp Genetics (formerly Invitae), Labcorp
Classification: Uncertain significance. Last evaluated: 2022-07-17. Review status: criteria provided, single submitter. Criteria: Invitae Variant Classification Sherloc (09022015). Collection method: clinical testing. Allele origin: germline.
Comment: This sequence change replaces leucine, which is neutral and non-polar, with tryptophan, which is neutral and slightly polar, at codon 87 of the RIN2 protein (p.Leu87Trp). This variant is not present in population databases (gnomAD no frequency). This variant has not been reported in the literature in individuals affected with RIN2-related conditions. Algorithms developed to predict the effect of missense changes on protein structure and function are either unavailable or do not agree on the potential impact of this missense change (SIFT: "Deleterious"; PolyPhen-2: "Not Available"; Align-GVGD: "Class C0"). In summary, the available evidence is currently insufficient to determine the role of this variant in disease. Therefore, it has been classified as a Variant of Uncertain Significance.

NM_018993.4(RIN2):c.260T>G (p.Leu87Trp)

Gene: RIN2 (Ras and Rab interactor 2; plus strand). Cytogenetic location: 20p11.23.
Variant type: single nucleotide variant.
Coding change: c.260T>G on transcript NM_018993.4 (MANE Select); coding-DNA position 260, T replaced by G.
Protein change: p.Leu87Trp; replaces leucine 87 with tryptophan.
Molecular consequence: missense variant. On other transcripts: 5 prime UTR variant (1).
Genome position (GRCh38, 1-based): chr20:19,956,716, T>G. VCF-style: chr20-19956716-T-G. GRCh37 (hg19) VCF-style: chr20-19937360-T-G.
Other names: c.407T>G, p.Leu136Trp (NM_001242581.2); c.-286T>G (NM_001378238.1); short protein forms L136W, L87W.
Identifiers: ClinVar variation 1992699 (VCV001992699.4), dbSNP rs2515375986, ClinGen allele CA408356642.